The following is an entry in ClinVar:

NM_004360.5(CDH1):c.831A>G (p.Pro277=)

Gene: CDH1 (cadherin 1; plus strand). Cytogenetic location: 16q22.1.
Variant type: single nucleotide variant.
Coding change: c.831A>G on transcript NM_004360.5 (MANE Select); coding-DNA position 831, A replaced by G.
Protein change: p.Pro277=; no amino-acid change (proline 277 retained).
Molecular consequence: synonymous variant. On other transcripts: 5 prime UTR variant (2).
Genome position (GRCh38, 1-based): chr16:68,810,340, A>G. VCF-style: chr16-68810340-A-G. GRCh37 (hg19) VCF-style: chr16-68844243-A-G.
Other names: c.831A>G, p.Pro277= (NM_001317184.2); c.-785A>G (NM_001317185.2); c.-989A>G (NM_001317186.2).
Identifiers: ClinVar variation 1762895 (VCV001762895.2), dbSNP rs1131690816, ClinGen allele CA496152833.

ClinVar aggregate classification (germline): Likely pathogenic (1 of 4 stars; one submission).

Conditions:
Hereditary cancer-predisposing syndrome. Also called: Neoplastic Syndromes, Hereditary; Tumor predisposition; Hereditary Cancer Syndrome; Hereditary neoplastic syndrome. Identifiers: Orphanet 140162, MedGen C0027672, MeSH D009386, MONDO:0015356.

Submission:

Ambry Genetics
Classification: Likely pathogenic for Hereditary cancer-predisposing syndrome. Last evaluated: 2021-04-28. Review status: criteria provided, single submitter. Criteria: Ambry Variant Classification Scheme 2023. Collection method: clinical testing. Allele origin: germline.
Comment: The c.831A>G variant (also known as p.P277P), located in coding exon 6 of the CDH1 gene, results from an A to G substitution at nucleotide position 831. This nucleotide substitution does not change the proline at codon 277. This alteration has been observed in at least one individual with a personal and/or family history that is consistent with CDH1-related disease (Ambry internal data). This nucleotide position is well conserved in available vertebrate species. In silico splice site analysis predicts that this alteration will weaken the native splice donor site and will result in the creation or strengthening of a novel splice donor site. RNA studies have demonstrated that this alteration results in abnormal splicing in the set of samples tested (Ambry internal data). Based on the majority of available evidence to date, this variant is likely to be pathogenic.